The following is an entry in ClinVar:

ClinVar aggregate classification (germline): Uncertain significance (1 of 4 stars; one submission).

Conditions:
Dilated cardiomyopathy 1O (CMD1O). Also called: CARDIOMYOPATHY, DILATED, WITH VENTRICULAR TACHYCARDIA. Identifiers: Orphanet 154, MedGen C1837839, MONDO:0012062, OMIM 608569.

Submission:

Labcorp Genetics (formerly Invitae), Labcorp
Classification: Uncertain significance for Dilated cardiomyopathy 1O. Last evaluated: 2025-04-11. Review status: criteria provided, single submitter. Criteria: Invitae Variant Classification Sherloc (09022015). Collection method: clinical testing. Allele origin: germline.
Comment: This sequence change replaces glutamic acid, which is acidic and polar, with aspartic acid, which is acidic and polar, at codon 721 of the ABCC9 protein (p.Glu721Asp). This variant is not present in population databases (gnomAD no frequency). This variant has not been reported in the literature in individuals affected with ABCC9-related conditions. Invitae Evidence Modeling of protein sequence and biophysical properties (such as structural, functional, and spatial information, amino acid conservation, physicochemical variation, residue mobility, and thermodynamic stability) indicates that this missense variant is expected to disrupt ABCC9 protein function with a positive predictive value of 80%. In summary, the available evidence is currently insufficient to determine the role of this variant in disease. Therefore, it has been classified as a Variant of Uncertain Significance.

NM_020297.4(ABCC9):c.2163G>C (p.Glu721Asp)

Gene: ABCC9 (ATP binding cassette subfamily C member 9; minus strand). Cytogenetic location: 12p12.1.
Variant type: single nucleotide variant.
Coding change: c.2163G>C on transcript NM_020297.4 (MANE Select); coding-DNA position 2163, G replaced by C.
Protein change: p.Glu721Asp; replaces glutamic acid 721 with aspartic acid.
Molecular consequence: missense variant.
Genome position (GRCh38, 1-based): chr12:21,872,660, C>G on the plus strand (G>C on the coding strand, the complement: ABCC9 is on the minus strand). VCF-style: chr12-21872660-C-G. GRCh37 (hg19) VCF-style: chr12-22025594-C-G.
Other names: c.2163G>C, p.Glu721Asp (NM_001377273.1, NM_005691.4); c.1299G>C, p.Glu433Asp (NM_001377274.1); short protein forms E433D, E721D.
Identifiers: ClinVar variation 4747677 (VCV004747677.1).